The following is an entry in ClinVar:

NM_024675.4(PALB2):c.2800_2801dup (p.Val934_Ala935insTer)

Gene: PALB2 (partner and localizer of BRCA2; minus strand). Cytogenetic location: 16p12.2.
Variant type: Microsatellite.
Coding change: c.2800_2801dup on transcript NM_024675.4 (MANE Select); coding-DNA positions 2800 to 2801, 2 bases duplicated (GT; older notation c.2800_2801dupGT).
Protein change: p.Val934_Ala935insTer.
Molecular consequence: frameshift variant.
Genome position (GRCh38, 1-based): chr16:23,624,042-23,624,043, AC duplicated on the plus strand (GT on the coding strand, the reverse complement: PALB2 is on the minus strand); duplicating any 2 consecutive bases within chr16:23,624,042-23,624,049 gives the same sequence; the c. name uses the placement nearest the transcript's 3' end. VCF-style (leftmost placement, unchanged base first): chr16-23624041-T-TAC. GRCh37 (hg19) VCF-style: chr16-23635362-T-TAC.
Other names: c.2740_2741dup, p.Val914_Ala915insTer (NM_001407296.1); c.2728_2729dup, p.Val910_Ala911insTer (NM_001407297.1); c.2638_2639dup, p.Val880_Ala881insTer (NM_001407298.1, NM_001407302.1); c.2800_2801dup, p.Val934_Ala935insTer (NM_001407299.1, NM_001407300.1, NM_001407301.1); c.1915_1916dup, p.Val639_Ala640insTer (NM_001407304.1, NM_001407305.1, NM_001407306.1 and 4 more transcripts); c.1753_1754dup, p.Val585_Ala586insTer (NM_001407307.1); c.1012_1013dup, p.Val338_Ala339insTer (NM_001407312.1, NM_001407313.1); c.334_335dup, p.Val112_Ala113insTer (NM_001407314.1).
Identifiers: ClinVar variation 3382604 (VCV003382604.3).

ClinVar aggregate classification (germline): Likely pathogenic (1 of 4 stars; one submission).

Conditions:
Familial cancer of breast. Also called: BREAST CANCER, FAMILIAL; hereditary breast carcinoma; Hereditary breast cancer. Identifiers: Orphanet 227535, MedGen C0346153, MONDO:0016419, OMIM 114480. Disease mechanism: loss of function.
Fanconi anemia complementation group N. Also called: PALB2-Related Fanconi Anemia. Identifiers: Orphanet 84, MedGen C1835817, MONDO:0012565, OMIM 610832. Disease mechanism: loss of function.
Pancreatic cancer, susceptibility to, 3. Identifiers: Orphanet 1333, MedGen C3150547, MONDO:0013236, OMIM 613348.

Submission:

Juno Genomics, Hangzhou Juno Genomics, Inc
Classification: Likely pathogenic for Familial cancer of breast; Pancreatic cancer, susceptibility to, 3; Fanconi anemia complementation group N. Review status: criteria provided, single submitter. Criteria: ACMG Guidelines, 2015. Collection method: clinical testing. Allele origin: germline.
Comment: Absent from controls (or at extremely low frequency if recessive) in Genome Aggregation Database.;Null variant in a gene where loss of function (LOF) is a known mechanism of disease.